The following is an entry in ClinVar:

NM_006030.4(CACNA2D2):c.3370C>T (p.Leu1124Phe)

Genes: CACNA2D2 (calcium voltage-gated channel auxiliary subunit alpha2delta 2; minus strand), LOC127898564 (CYB561D2-LOC101928965; plus strand). Cytogenetic location: 3p21.31.
Variant type: single nucleotide variant.
Coding change: c.3370C>T on transcript NM_006030.4 (MANE Select); coding-DNA position 3370, C replaced by T.
Protein change: p.Leu1124Phe; replaces leucine 1124 with phenylalanine.
Molecular consequence: missense variant.
Genome position (GRCh38, 1-based): chr3:50,364,728, G>A on the plus strand (C>T on the coding strand, the complement: CACNA2D2 is on the minus strand). VCF-style: chr3-50364728-G-A. GRCh37 (hg19) VCF-style: chr3-50402159-G-A.
Other names: p.Leu1124Phe; c.3391C>T (NM_001174051.1); c.3376C>T, p.Leu1126Phe (NM_001005505.3); c.3391C>T, p.Leu1131Phe (NM_001174051.3); c.3169C>T, p.Leu1057Phe (NM_001291101.1); short protein forms L1124F, L1131F, L1057F, L1126F.
Identifiers: ClinVar variation 461320 (VCV000461320.20), dbSNP rs147278705, ClinGen allele CA2418094.

ClinVar aggregate classification (germline): Conflicting classifications of pathogenicity. Review status: criteria provided, conflicting classifications (1 of 4 stars). 6 submissions from 6 submitters: Uncertain significance (5); Likely benign (1). Last evaluated 2025-06-11.

Conditions:
Developmental and epileptic encephalopathy. Identifiers: MedGen C5779964, MONDO:0100620.
Cerebellar atrophy with seizures and variable developmental delay. Identifiers: MedGen C5193132, MONDO:0032788, OMIM 618501.
Inborn genetic diseases. Identifiers: MedGen C0950123, MeSH D030342.

Allele frequency attached by ClinVar (database versions not stated): ESP Exome Variant Server 0.00063; TOPMed 0.00064; gnomAD exomes 0.00066 and 0.00117; gnomAD 0.00085 and 0.00091; ExAC 0.00095.
gnomAD v4.1: 1,736 of 1,556,012 alleles (0.11%); highest among the groups gnomAD compares: Non-Finnish European, 0.14%; no homozygotes.

Submissions (6):

GeneDx
Classification: Uncertain significance. Last evaluated: 2025-06-11. Review status: criteria provided, single submitter. Criteria: GeneDx Variant Classification Process June 2021. Collection method: clinical testing. Allele origin: germline. Affected: yes.
Comment: In silico analysis suggests that this missense variant does not alter protein structure/function; Has not been previously published as pathogenic or benign to our knowledge

CeGaT Center for Human Genetics Tuebingen
Classification: Uncertain significance. Last evaluated: 2025-04-01. Review status: criteria provided, single submitter. Criteria: CeGaT Center For Human Genetics Tuebingen Variant Classification Criteria Version 2. Collection method: clinical testing. Allele origin: germline. Affected: yes. Observed: 1 variant allele.

Ambry Genetics
Classification: Likely benign for Inborn genetic diseases. Last evaluated: 2025-02-26. Review status: criteria provided, single submitter. Criteria: Ambry Variant Classification Scheme 2023. Collection method: clinical testing. Allele origin: germline.

ARUP Laboratories, Molecular Genetics and Genomics, ARUP Laboratories
Classification: Uncertain significance for Cerebellar atrophy with seizures and variable developmental delay. Last evaluated: 2025-01-30. Review status: criteria provided, single submitter. Criteria: ARUP Molecular Germline Variant Investigation Process 2024. Collection method: clinical testing. Allele origin: germline.

Mayo Clinic Laboratories, Mayo Clinic
Classification: Uncertain significance. Last evaluated: 2022-12-22. Review status: criteria provided, single submitter. Criteria: ACMG Guidelines, 2015. Collection method: clinical testing. Allele origin: germline. Observed: 1 variant allele.
Comment: BP4

Labcorp Genetics (formerly Invitae), Labcorp
Classification: Uncertain significance for Early-infantile DEE. Last evaluated: 2022-11-01. Review status: criteria provided, single submitter. Criteria: Invitae Variant Classification Sherloc (09022015). Collection method: clinical testing. Allele origin: germline.
Comment: This sequence change replaces leucine, which is neutral and non-polar, with phenylalanine, which is neutral and non-polar, at codon 1124 of the CACNA2D2 protein (p.Leu1124Phe). This variant is present in population databases (rs147278705, gnomAD 0.1%), and has an allele count higher than expected for a pathogenic variant. This variant has not been reported in the literature in individuals affected with CACNA2D2-related conditions. ClinVar contains an entry for this variant (Variation ID: 461320). Algorithms developed to predict the effect of missense changes on protein structure and function are either unavailable or do not agree on the potential impact of this missense change (SIFT: "Tolerated"; PolyPhen-2: "Possibly Damaging"; Align-GVGD: "Class C0"). In summary, the available evidence is currently insufficient to determine the role of this variant in disease. Therefore, it has been classified as a Variant of Uncertain Significance.